The following is an entry in ClinVar:

NM_031418.4(ANO3):c.269C>T (p.Ser90Phe)

Gene: ANO3 (anoctamin 3; plus strand). Cytogenetic location: 11p14.2.
Variant type: single nucleotide variant.
Coding change: c.269C>T on transcript NM_031418.4 (MANE Select); coding-DNA position 269, C replaced by T.
Protein change: p.Ser90Phe; replaces serine 90 with phenylalanine.
Molecular consequence: missense variant.
Genome position (GRCh38, 1-based): chr11:26,443,792, C>T. VCF-style: chr11-26443792-C-T. GRCh37 (hg19) VCF-style: chr11-26465339-C-T.
Other names: c.452C>T, p.Ser151Phe (NM_001313726.2); short protein forms S151F, S90F.
Identifiers: ClinVar variation 4800401 (VCV004800401.1).
Genomic context (GRCh38, chr11:26,443,792, plus strand): 5'-CCCAAAACTACAAAGTATCTTATTTTATTTCAGTTAATACTGAGGAGAATAAAAACGACT[C>T]TGTGCTGAGATGTTCATTTGCTGACCTCAGCGATTTTTGTTTGGGTAAGTTGATAATCAG-3'
Protein context (NP_113606.2, residues 80-100): QVNTEENKND[Ser90Phe]VLRCSFADLS

ClinVar aggregate classification (germline): Uncertain significance (1 of 4 stars; one submission).

Conditions:
Dystonic disorder. Also called: Dystonia. Identifiers: MedGen C0013421, MONDO:0003441, HP:0001332.

Submission:

Labcorp Genetics (formerly Invitae), Labcorp
Classification: Uncertain significance for Dystonic disorder. Last evaluated: 2025-12-15. Review status: criteria provided, single submitter. Criteria: Invitae Variant Classification Sherloc (09022015). Collection method: clinical testing. Allele origin: germline.
Comment: This sequence change replaces serine, which is neutral and polar, with phenylalanine, which is neutral and non-polar, at codon 90 of the ANO3 protein (p.Ser90Phe). This variant is not present in population databases (gnomAD no frequency). This variant has not been reported in the literature in individuals affected with ANO3-related conditions. Invitae Evidence Modeling of protein sequence and biophysical properties (such as structural, functional, and spatial information, amino acid conservation, physicochemical variation, residue mobility, and thermodynamic stability) has been performed for this missense variant. However, the output from this modeling did not meet the statistical confidence thresholds required to predict the impact of this variant on ANO3 protein function. In summary, the available evidence is currently insufficient to determine the role of this variant in disease. Therefore, it has been classified as a Variant of Uncertain Significance.